The following is an entry in ClinVar:

NM_001394062.1(MACF1):c.13888G>T (p.Glu4630Ter)

Gene: MACF1 (microtubule actin crosslinking factor 1; plus strand). Cytogenetic location: 1p34.3.
Variant type: single nucleotide variant.
Coding change: c.13888G>T on transcript NM_001394062.1 (MANE Select); coding-DNA position 13888, G replaced by T.
Protein change: p.Glu4630Ter; replaces glutamic acid 4630 with a stop codon.
Molecular consequence: nonsense.
Genome position (GRCh38, 1-based): chr1:39,385,473, G>T. VCF-style: chr1-39385473-G-T. GRCh37 (hg19) VCF-style: chr1-39851145-G-T.
Other names: c.7702G>T, p.Glu2568Ter (NM_012090.5); short protein forms E2568*, E4630*.
Identifiers: ClinVar variation 2498402 (VCV002498402.28), dbSNP rs1407261199, ClinGen allele CA339834419.
Genomic context (GRCh38, chr1:39,385,473, plus strand): 5'-TTGGTGTCATTTCTATTTCAGTTTATGCTAAAGGAATTTGAAGCACGCAGGCAACAGCAT[G>T]AGCAACTGAATGAGGCAGCTCAGGGCATCCTAACAGGCCCTGGAGATGTCTCTCTGTCCA-3'

ClinVar aggregate classification (germline): Uncertain significance (1 of 4 stars; one submission).

Submission:

CeGaT Center for Human Genetics Tuebingen
Classification: Uncertain significance. Last evaluated: 2023-01-01. Review status: criteria provided, single submitter. Criteria: CeGaT Center For Human Genetics Tuebingen Variant Classification Criteria Version 2. Collection method: clinical testing. Allele origin: germline. Affected: yes. Observed: 1 variant allele.
Comment: MACF1: PM2, PVS1:Supporting